The following continues an entry in ClinVar:

NM_000465.4(BARD1):c.119C>T (p.Ala40Val)

Gene: BARD1. ClinVar aggregate classification (germline): Conflicting classifications of pathogenicity. Uncertain significance (12); Likely benign (2).

Submissions 10 to 14 of 14:

St. Jude Molecular Pathology, St. Jude Children's Research Hospital
Classification: Uncertain significance for Familial cancer of breast. Last evaluated: 2023-08-22. Review status: criteria provided, single submitter. Criteria: St. Jude Assertion Criteria 2020. Collection method: clinical testing. Allele origin: germline.
Comment: The BARD1 c.119C>T (p.Ala40Val) missense change has a maximum non-founder subpopulation frequency of 0.011% in gnomAD v2.1.1. The in silico tool REVEL is inconclusive about a pathogenic or benign effect of this variant on protein function, and a functional assay measuring homology-directed repair (HDR) activity indicates that this variant showed function similar to the wild-type (PMID: 26350354). This variant has been reported in individuals with a personal and/or family history of breast cancer (PMID: 28202063, 32658311). It has also been reported in one individual in a database of women older than 70 years of age who have never had cancer (FLOSSIES database). In summary, the evidence currently available is insufficient to determine the clinical significance of this variant. It has therefore been classified as of uncertain significance.

Quest Diagnostics Nichols Institute San Juan Capistrano
Classification: Uncertain significance. Last evaluated: 2023-07-21. Review status: criteria provided, single submitter. Criteria: Quest Diagnostics criteria. Collection method: clinical testing. Allele origin: unknown.
Comment: In the published literature, this variant has been reported in individuals with breast cancer (PMID: 28202063 (2017), 30613976 (2019), 32658311 (2021)), and gastric cancer (PMID: 30680046 (2019)). This variant has also been reported in unaffected individual (PMID: 26315354 (2015)). A homology-directed repair functional assay indicates that this variant is functional (PMID: 26350354 (2015)). The frequency of this variant in the general population, 0.00011 (4/35032 chromosomes (Genome Aggregation Database)), is uninformative in the assessment of its pathogenicity. Analysis of this variant using bioinformatics tools for the prediction of the effect of amino acid changes on protein structure and function yielded conflicting predictions that this variant is benign or damaging. Based on the available information, we are unable to determine the clinical significance of this variant.

Blueprint Genetics
Classification: Uncertain significance. Last evaluated: 2023-05-08. Review status: criteria provided, single submitter. Criteria: ACMG Guidelines, 2015. Collection method: clinical testing. Allele origin: germline.

Revvity Omics, Revvity
Classification: Uncertain significance. Last evaluated: 2022-05-12. Review status: criteria provided, single submitter. Criteria: ACMG Guidelines, 2015. Collection method: clinical testing. Allele origin: germline.

Ambry Genetics
Classification: Likely benign for Hereditary cancer-predisposing syndrome. Last evaluated: 2021-12-09. Review status: criteria provided, single submitter. Criteria: Ambry Variant Classification Scheme 2023. Collection method: clinical testing. Allele origin: germline.

Literature cited by the submitters: PubMed 26350354 (cited by 5 submitters); PubMed 26315354 (cited by 5 submitters); PubMed 32658311 (cited by 4 submitters); PubMed 30613976 (cited by 4 submitters); PubMed 30680046 (cited by 5 submitters); PubMed 28873162 (cited by Dasa and Quest Diagnostics Nichols Institute San Juan Capistrano); PubMed 28202063 (cited by 6 submitters); PubMed 39387837 (cited by Labcorp Genetics (formerly Invitae), Labcorp and Women's Health and Genetics/Laboratory Corporation of America, LabCorp); PubMed 25085752 (cited by Myriad Genetics, Inc.).